The following is an entry in ClinVar:

NM_002334.4(LRP4):c.713G>A (p.Cys238Tyr)

Gene: LRP4 (LDL receptor related protein 4; minus strand). Cytogenetic location: 11p11.2.
Variant type: single nucleotide variant.
Coding change: c.713G>A on transcript NM_002334.4 (MANE Select); coding-DNA position 713, G replaced by A.
Protein change: p.Cys238Tyr; replaces cysteine 238 with tyrosine.
Molecular consequence: missense variant.
Genome position (GRCh38, 1-based): chr11:46,898,641, C>T on the plus strand (G>A on the coding strand, the complement: LRP4 is on the minus strand). VCF-style: chr11-46898641-C-T. GRCh37 (hg19) VCF-style: chr11-46920192-C-T.
Other names: short protein forms C238Y.
Identifiers: ClinVar variation 1372753 (VCV001372753.6), dbSNP rs770285774, ClinGen allele CA5970399.

ClinVar aggregate classification (germline): Uncertain significance (1 of 4 stars; one submission).

Conditions:
Sclerosteosis 2 (SOST2). Identifiers: Orphanet 3152, MedGen C3280402, MONDO:0013679, OMIM 614305.
Congenital myasthenic syndrome 17. Identifiers: Orphanet 590, MedGen C4225377, MONDO:0014578, OMIM 616304.
Cenani-Lenz syndactyly syndrome. Also called: CENANI SYNDACTYLISM; SYNDACTYLY, TYPE VII. Identifiers: Orphanet 3258, MedGen C1859309, MONDO:0008931, OMIM 212780.

Allele frequency attached by ClinVar (database versions not stated): gnomAD exomes below 0.00001; ExAC 0.00001.
gnomAD v4.1: 1 of 1,614,212 alleles (0.000062%); highest among the groups gnomAD compares: Admixed American, 0.0017%; no homozygotes.

Submission:

Labcorp Genetics (formerly Invitae), Labcorp
Classification: Uncertain significance for Cenani-Lenz syndactyly syndrome; Sclerosteosis 2; Congenital myasthenic syndrome 17. Last evaluated: 2021-08-05. Review status: criteria provided, single submitter. Criteria: Invitae Variant Classification Sherloc (09022015). Collection method: clinical testing. Allele origin: germline.
Comment: This sequence change replaces cysteine with tyrosine at codon 238 of the LRP4 protein (p.Cys238Tyr). The cysteine residue is highly conserved and there is a large physicochemical difference between cysteine and tyrosine. This variant is present in population databases (rs770285774, ExAC 0.009%). This variant has not been reported in the literature in individuals affected with LRP4-related conditions. Algorithms developed to predict the effect of missense changes on protein structure and function are either unavailable or do not agree on the potential impact of this missense change (SIFT: "Deleterious"; PolyPhen-2: "Probably Damaging"; Align-GVGD: "Class C0"). In summary, the available evidence is currently insufficient to determine the role of this variant in disease. Therefore, it has been classified as a Variant of Uncertain Significance.